The following is an entry in ClinVar:

ClinVar aggregate classification (germline): Uncertain significance (1 of 4 stars; one submission).

gnomAD v4.1: 11 of 1,612,120 alleles (0.00068%); highest among the groups gnomAD compares: African/African-American, 0.0053%; no homozygotes.

Submission:

Labcorp Genetics (formerly Invitae), Labcorp
Classification: Uncertain significance. Last evaluated: 2025-12-23. Review status: criteria provided, single submitter. Criteria: Invitae Variant Classification Sherloc (09022015). Collection method: clinical testing. Allele origin: germline.
Comment: This sequence change replaces valine, which is neutral and non-polar, with methionine, which is neutral and non-polar, at codon 959 of the SUCO protein (p.Val959Met). This variant is present in population databases (rs116451217, gnomAD 0.008%). This variant has not been reported in the literature in individuals affected with SUCO-related conditions. An algorithm developed to predict the effect of missense changes on protein structure and function (PolyPhen-2) suggests that this variant is likely to be tolerated. In summary, the available evidence is currently insufficient to determine the role of this variant in disease. Therefore, it has been classified as a Variant of Uncertain Significance.

NM_014283.5(SUCO):c.2875G>A (p.Val959Met)

Gene: SUCO (SUN domain containing ossification factor; plus strand). Cytogenetic location: 1q24.3.
Variant type: single nucleotide variant.
Coding change: c.2875G>A on transcript NM_014283.5 (MANE Select); coding-DNA position 2875, G replaced by A.
Protein change: p.Val959Met; replaces valine 959 with methionine.
Molecular consequence: missense variant.
Genome position (GRCh38, 1-based): chr1:172,591,033, G>A. VCF-style: chr1-172591033-G-A. GRCh37 (hg19) VCF-style: chr1-172560173-G-A.
Other names: c.1762G>A, p.Val588Met (NM_001282750.2); c.1186G>A, p.Val396Met (NM_001282751.2); c.3328G>A, p.Val1110Met (NM_016227.4); short protein forms V588M, V959M, V1110M, V396M.
Identifiers: ClinVar variation 4745778 (VCV004745778.1).
Genomic context (GRCh38, chr1:172,591,033, plus strand): 5'-TTACTTCATAGGTACCGAAAACAAATGGAAGAAATGCAAAAGGCTTTCAATAAAACAATC[G>A]TGAAACTTCAGAATACTTCAAGAATAGCAGAGGAGCAGGTTGGTTTCTACATCCCTTATT-3'
Protein context (NP_055098.1, residues 949-969): EMQKAFNKTI[Val959Met]KLQNTSRIAE